The following is an entry in ClinVar:

NM_000222.3(KIT):c.283T>A (p.Tyr95Asn)

Gene: KIT (KIT proto-oncogene, receptor tyrosine kinase; plus strand). Cytogenetic location: 4q12.
Variant type: single nucleotide variant.
Coding change: c.283T>A on transcript NM_000222.3 (MANE Select); coding-DNA position 283, T replaced by A.
Protein change: p.Tyr95Asn; replaces tyrosine 95 with asparagine.
Molecular consequence: missense variant.
Genome position (GRCh38, 1-based): chr4:54,695,727, T>A. VCF-style: chr4-54695727-T-A. GRCh37 (hg19) VCF-style: chr4-55561893-T-A.
Other names: c.283T>A, p.Tyr95Asn (NM_001093772.2, NM_001385284.1, NM_001385285.1 and 4 more transcripts); short protein forms Y95N.
Identifiers: ClinVar variation 3864543 (VCV003864543.1).

ClinVar aggregate classification (germline): Uncertain significance (1 of 4 stars; one submission).

Conditions:
Hereditary cancer-predisposing syndrome. Also called: Hereditary neoplastic syndrome; Neoplastic Syndromes, Hereditary; Tumor predisposition; Hereditary Cancer Syndrome. Identifiers: Orphanet 140162, MedGen C0027672, MeSH D009386, MONDO:0015356.

Submission:

Ambry Genetics
Classification: Uncertain significance for Hereditary cancer-predisposing syndrome. Last evaluated: 2025-02-05. Review status: criteria provided, single submitter. Criteria: Ambry Variant Classification Scheme 2023. Collection method: clinical testing. Allele origin: germline.
Comment: The p.Y95N variant (also known as c.283T>A), located in coding exon 2 of the KIT gene, results from a T to A substitution at nucleotide position 283. The tyrosine at codon 95 is replaced by asparagine, an amino acid with dissimilar properties. This amino acid position is conserved. In addition, this alteration is predicted to be deleterious by in silico analysis. Based on the available evidence, the clinical significance of this variant remains unclear.